The following is an entry in ClinVar:

ClinVar aggregate classification (germline): Uncertain significance (1 of 4 stars; one submission).

Submission:

GeneDx
Classification: Uncertain significance. Last evaluated: 2023-01-04. Review status: criteria provided, single submitter. Criteria: GeneDx Variant Classification Process June 2021. Collection method: clinical testing. Allele origin: germline. Affected: yes.
Comment: Not observed at significant frequency in large population cohorts (gnomAD); In silico analysis supports that this missense variant has a deleterious effect on protein structure/function; Has not been previously published as pathogenic or benign to our knowledge; This variant is associated with the following publications: (PMID: 20951805)

NM_006231.4(POLE):c.2602C>G (p.Leu868Val)

Gene: POLE (DNA polymerase epsilon, catalytic subunit; minus strand). Cytogenetic location: 12q24.33.
Variant type: single nucleotide variant.
Coding change: c.2602C>G on transcript NM_006231.4 (MANE Select); coding-DNA position 2602, C replaced by G.
Protein change: p.Leu868Val; replaces leucine 868 with valine.
Molecular consequence: missense variant.
Genome position (GRCh38, 1-based): chr12:132,664,108, G>C on the plus strand (C>G on the coding strand, the complement: POLE is on the minus strand). VCF-style: chr12-132664108-G-C. GRCh37 (hg19) VCF-style: chr12-133240694-G-C.
Other names: short protein forms L868V.
Identifiers: ClinVar variation 2571850 (VCV002571850.1), dbSNP rs115830215, ClinGen allele CA387395698.